The following is an entry in ClinVar:

ClinVar aggregate classification (germline): Uncertain significance. Review status: criteria provided, multiple submitters, no conflicts (2 of 4 stars). 3 submissions from 3 submitters: Uncertain significance (3). Last evaluated 2026-05-28.

Conditions:
Inborn genetic diseases. Identifiers: MedGen C0950123, MeSH D030342.

Allele frequency attached by ClinVar (database versions not stated): 1000 Genomes Project 0.00020; 1000 Genomes Project 30x 0.00031.
gnomAD v4.1: 70 of 1,567,204 alleles (0.0045%); highest among the groups gnomAD compares: Admixed American, 0.019%; no homozygotes.

Submissions (3):

GeneDx
Classification: Uncertain significance. Last evaluated: 2026-05-28. Review status: criteria provided, single submitter. Criteria: GeneDx Variant Classification Process June 2021. Collection method: clinical testing. Allele origin: germline.
Comment: In silico analyses suggest that this missense variant does not alter protein structure/function, but may impact gene splicing; in the absence of RNA/functional studies, the actual effect of this sequence change is unknown; Has not been previously published as pathogenic or benign to our knowledge

Ambry Genetics
Classification: Uncertain significance for Inborn genetic diseases. Last evaluated: 2025-12-08. Review status: criteria provided, single submitter. Criteria: Ambry Variant Classification Scheme 2023. Collection method: clinical testing. Allele origin: germline.
Comment: The c.1840G>C (p.E614Q) alteration is located in exon 17 (coding exon 17) of the DOCK6 gene. This alteration results from a G to C substitution at nucleotide position 1840, causing the glutamic acid (E) at amino acid position 614 to be replaced by a glutamine (Q). Based on data from gnomAD, the C allele has an overall frequency of 0.006% (10/173768) total alleles studied. The highest observed frequency was 0.021% (1/4682) of Other alleles. Based on insufficient or conflicting evidence, the clinical significance of this alteration remains unclear.

Labcorp Genetics (formerly Invitae), Labcorp
Classification: Uncertain significance. Last evaluated: 2022-08-22. Review status: criteria provided, single submitter. Criteria: Invitae Variant Classification Sherloc (09022015). Collection method: clinical testing. Allele origin: germline.
Comment: This sequence change replaces glutamic acid, which is acidic and polar, with glutamine, which is neutral and polar, at codon 614 of the DOCK6 protein (p.Glu614Gln). This variant is present in population databases (rs527879848, gnomAD 0.01%). This variant has not been reported in the literature in individuals affected with DOCK6-related conditions. Algorithms developed to predict the effect of missense changes on protein structure and function are either unavailable or do not agree on the potential impact of this missense change (SIFT: "Tolerated"; PolyPhen-2: "Probably Damaging"; Align-GVGD: "Class C0"). Algorithms developed to predict the effect of sequence changes on RNA splicing suggest that this variant may create or strengthen a splice site. In summary, the available evidence is currently insufficient to determine the role of this variant in disease. Therefore, it has been classified as a Variant of Uncertain Significance.

NM_020812.4(DOCK6):c.1840G>C (p.Glu614Gln)

Gene: DOCK6 (dedicator of cytokinesis 6; minus strand). Cytogenetic location: 19p13.2.
Variant type: single nucleotide variant.
Coding change: c.1840G>C on transcript NM_020812.4 (MANE Select); coding-DNA position 1840, G replaced by C.
Protein change: p.Glu614Gln; replaces glutamic acid 614 with glutamine.
Molecular consequence: missense variant.
Genome position (GRCh38, 1-based): chr19:11,237,772, C>G on the plus strand (G>C on the coding strand, the complement: DOCK6 is on the minus strand). VCF-style: chr19-11237772-C-G. GRCh37 (hg19) VCF-style: chr19-11348448-C-G.
Other names: c.1840G>C (NM_020812.2, NM_020812.3); c.1840G>C, p.Glu614Gln (NM_001367830.1); short protein forms E614Q.
Identifiers: ClinVar variation 2161329 (VCV002161329.4), dbSNP rs527879848, ClinGen allele CA9207817.